The following is an entry in ClinVar:

ClinVar aggregate classification (germline): Conflicting classifications of pathogenicity. Review status: criteria provided, conflicting classifications (1 of 4 stars). 2 submissions from 2 submitters: Uncertain significance (1); Likely benign (1). Last evaluated 2025-01-27.

Conditions:
HUWE1-related disorder. Also called: HUWE1-related condition.

Allele frequency attached by ClinVar (database versions not stated): TOPMed below 0.00001; ExAC 0.00001; gnomAD exomes 0.00001.
gnomAD v4.1: 7 of 1,200,971 alleles (0.00058%); highest among the groups gnomAD compares: Non-Finnish European, 0.00068%; no homozygotes.

Submissions (2):

GeneDx
Classification: Uncertain significance. Last evaluated: 2025-01-27. Review status: criteria provided, single submitter. Criteria: GeneDx Variant Classification Process June 2021. Collection method: clinical testing. Allele origin: germline. Affected: yes.
Comment: In silico analysis indicates that this missense variant does not alter protein structure/function; Has not been previously published as pathogenic or benign to our knowledge

PreventionGenetics, part of Exact Sciences
Classification: Likely benign for HUWE1-related condition. Last evaluated: 2024-12-30. Review status: criteria provided, single submitter. Criteria: ACMG Guidelines, 2015. Collection method: clinical testing. Allele origin: germline.
Comment: This variant is classified as likely benign based on ACMG/AMP sequence variant interpretation guidelines (Richards et al. 2015 PMID: 25741868, with internal and published modifications).

NM_031407.7(HUWE1):c.7323T>A (p.Asp2441Glu)

Genes: HUWE1 (HECT, UBA and WWE domain containing E3 ubiquitin protein ligase 1; minus strand), LOC126863262 (MED14-independent group 3 enhancer GRCh37_chrX:53588722-53589921; plus strand). Cytogenetic location: Xp11.22.
Variant type: single nucleotide variant.
Coding change: c.7323T>A on transcript NM_031407.7 (MANE Select); coding-DNA position 7323, T replaced by A.
Protein change: p.Asp2441Glu; replaces aspartic acid 2441 with glutamic acid.
Molecular consequence: missense variant.
Genome position (GRCh38, 1-based): chrX:53,562,126, A>T on the plus strand (T>A on the coding strand, the complement: HUWE1 is on the minus strand). VCF-style: chrX-53562126-A-T. GRCh37 (hg19) VCF-style: chrX-53589087-A-T.
Other names: c.7323T>A (NM_031407.6); short protein forms D2441E.
Identifiers: ClinVar variation 1191428 (VCV001191428.5), dbSNP rs782064725, ClinGen allele CA10421972.